The following is an entry in ClinVar:

ClinVar aggregate classification (germline): Uncertain significance (1 of 4 stars; one submission).

Allele frequency attached by ClinVar (database versions not stated): gnomAD exomes below 0.00001; ExAC 0.00001; ESP Exome Variant Server 0.00008.
gnomAD v4.1: 1 of 1,614,160 alleles (0.000062%); highest among the groups gnomAD compares: Non-Finnish European, 0.000085%; no homozygotes.

Submission:

Labcorp Genetics (formerly Invitae), Labcorp
Classification: Uncertain significance. Last evaluated: 2022-11-14. Review status: criteria provided, single submitter. Criteria: Invitae Variant Classification Sherloc (09022015). Collection method: clinical testing. Allele origin: germline.
Comment: In summary, the available evidence is currently insufficient to determine the role of this variant in disease. Therefore, it has been classified as a Variant of Uncertain Significance. This variant has not been reported in the literature in individuals affected with TOP1MT-related conditions. Advanced modeling of protein sequence and biophysical properties (such as structural, functional, and spatial information, amino acid conservation, physicochemical variation, residue mobility, and thermodynamic stability) performed at Invitae indicates that this missense variant is not expected to disrupt TOP1MT protein function. This variant is present in population databases (rs145079137, gnomAD 0.006%). This sequence change replaces threonine, which is neutral and polar, with isoleucine, which is neutral and non-polar, at codon 472 of the TOP1MT protein (p.Thr472Ile).

NM_052963.3(TOP1MT):c.1415C>T (p.Thr472Ile)

Gene: TOP1MT (DNA topoisomerase I mitochondrial; minus strand). Cytogenetic location: 8q24.3.
Variant type: single nucleotide variant.
Coding change: c.1415C>T on transcript NM_052963.3 (MANE Select); coding-DNA position 1415, C replaced by T.
Protein change: p.Thr472Ile; replaces threonine 472 with isoleucine.
Molecular consequence: missense variant.
Genome position (GRCh38, 1-based): chr8:143,316,042, G>A on the plus strand (C>T on the coding strand, the complement: TOP1MT is on the minus strand). VCF-style: chr8-143316042-G-A. GRCh37 (hg19) VCF-style: chr8-144398212-G-A.
Other names: c.1121C>T, p.Thr374Ile (NM_001258446.1, NM_001258447.1); short protein forms T472I, T374I.
Identifiers: ClinVar variation 1955974 (VCV001955974.5), dbSNP rs145079137, ClinGen allele CA4908316.
Genomic context (GRCh38, chr8:143,316,042, plus strand): 5'-CTCCTGGGAGCTGCTACCTTCGTCTGGAGATTCTGCATCGACTTCTCGAACGTACTGGGG[G>A]TTGCTCGCTGATGGTTGCAGAGAATGGCCACGACTCGGTTGGCTCGGTTGTAGGATAAGA-3'
Protein context (NP_443195.1, residues 462-482): VAILCNHQRA[Thr472Ile]PSTFEKSMQN